The following is an entry in ClinVar:

NM_001254.4(CDC6):c.1652T>C (p.Ile551Thr)

Gene: CDC6 (cell division cycle 6; plus strand). Cytogenetic location: 17q21.2.
Variant type: single nucleotide variant.
Coding change: c.1652T>C on transcript NM_001254.4 (MANE Select); coding-DNA position 1652, T replaced by C.
Protein change: p.Ile551Thr; replaces isoleucine 551 with threonine.
Molecular consequence: missense variant.
Genome position (GRCh38, 1-based): chr17:40,301,970, T>C. VCF-style: chr17-40301970-T-C. GRCh37 (hg19) VCF-style: chr17-38458222-T-C.
Other names: short protein forms I551T.
Identifiers: ClinVar variation 1963990 (VCV001963990.5), dbSNP rs2032946662, ClinGen allele CA399336925.

ClinVar aggregate classification (germline): Uncertain significance (1 of 4 stars; one submission).

Allele frequency attached by ClinVar (database versions not stated): gnomAD exomes below 0.00001; gnomAD 0.00001; TOPMed 0.00002.
gnomAD v4.1: 7 of 1,595,366 alleles (0.00044%); highest among the groups gnomAD compares: African/African-American, 0.0013%; no homozygotes.

Submission:

Labcorp Genetics (formerly Invitae), Labcorp
Classification: Uncertain significance. Last evaluated: 2023-08-02. Review status: criteria provided, single submitter. Criteria: Invitae Variant Classification Sherloc (09022015). Collection method: clinical testing. Allele origin: germline.
Comment: This sequence change replaces isoleucine, which is neutral and non-polar, with threonine, which is neutral and polar, at codon 551 of the CDC6 protein (p.Ile551Thr). This variant is not present in population databases (gnomAD no frequency). ClinVar contains an entry for this variant (Variation ID: 1963990). This variant has not been reported in the literature in individuals affected with CDC6-related conditions. Algorithms developed to predict the effect of missense changes on protein structure and function output the following: SIFT: "Not Available"; PolyPhen-2: "Benign"; Align-GVGD: "Not Available". The threonine amino acid residue is found in multiple mammalian species, which suggests that this missense change does not adversely affect protein function. In summary, the available evidence is currently insufficient to determine the role of this variant in disease. Therefore, it has been classified as a Variant of Uncertain Significance.